The following is an entry in ClinVar:

ClinVar aggregate classification (germline): Uncertain significance (1 of 4 stars; one submission).

Submission:

GeneDx
Classification: Uncertain significance. Last evaluated: 2019-08-15. Review status: criteria provided, single submitter. Criteria: GeneDx Variant Classification Process June 2021. Collection method: clinical testing. Allele origin: germline. Affected: yes.
Comment: Not observed in large population cohorts (Lek et al., 2016); In silico analysis, which includes protein predictors and evolutionary conservation, supports that this variant does not alter protein structure/function; Has not been previously published as pathogenic or benign to our knowledge

NM_052867.4(NALCN):c.2384A>T (p.Tyr795Phe)

Gene: NALCN (sodium leak channel, non-selective; minus strand). Cytogenetic location: 13q33.1.
Variant type: single nucleotide variant.
Coding change: c.2384A>T on transcript NM_052867.4 (MANE Select); coding-DNA position 2384, A replaced by T.
Protein change: p.Tyr795Phe; replaces tyrosine 795 with phenylalanine.
Molecular consequence: missense variant.
Genome position (GRCh38, 1-based): chr13:101,107,770, T>A on the plus strand (A>T on the coding strand, the complement: NALCN is on the minus strand). VCF-style: chr13-101107770-T-A. GRCh37 (hg19) VCF-style: chr13-101760121-T-A.
Other names: c.2471A>T, p.Tyr824Phe (NM_001350748.2); c.2384A>T, p.Tyr795Phe (NM_001350749.2); c.2297A>T, p.Tyr766Phe (NM_001350750.2, NM_001350751.2); short protein forms Y766F, Y795F, Y824F.
Identifiers: ClinVar variation 1307886 (VCV001307886.2), dbSNP rs2035211845, ClinGen allele CA388670668.